The following is an entry in ClinVar:

ClinVar aggregate classification (germline): Uncertain significance. Review status: criteria provided, single submitter (1 of 4 stars). 2 submissions from 2 submitters: Uncertain significance (1). 1 of the submissions does not count toward it. Last evaluated 2024-12-16.

Conditions:
Fanconi anemia (FA). Also called: Fanconi's anemia. Identifiers: Orphanet 84, MedGen C0015625, MeSH D005199, MONDO:0019391.

Allele frequency attached by ClinVar (database versions not stated): gnomAD exomes below 0.00001; ExAC 0.00001.

Submissions (2):

Labcorp Genetics (formerly Invitae), Labcorp
Classification: Uncertain significance for Fanconi anemia. Last evaluated: 2024-12-16. Review status: criteria provided, single submitter. Criteria: Invitae Variant Classification Sherloc (09022015). Collection method: clinical testing. Allele origin: germline.
Comment: This sequence change replaces isoleucine, which is neutral and non-polar, with phenylalanine, which is neutral and non-polar, at codon 124 of the FANCA protein (p.Ile124Phe). This variant is present in population databases (rs553656166, gnomAD 0.003%). This variant has not been reported in the literature in individuals affected with FANCA-related conditions. ClinVar contains an entry for this variant (Variation ID: 134276). Invitae Evidence Modeling of protein sequence and biophysical properties (such as structural, functional, and spatial information, amino acid conservation, physicochemical variation, residue mobility, and thermodynamic stability) indicates that this missense variant is not expected to disrupt FANCA protein function with a negative predictive value of 95%. In summary, the available evidence is currently insufficient to determine the role of this variant in disease. Therefore, it has been classified as a Variant of Uncertain Significance.

ITMI
No classification provided. Condition: AllHighlyPenetrant. Last evaluated: 2013-09-19. Review status: no classification provided. Collection method: reference population. Allele origin: germline. Not counted in ClinVar's aggregate classification.
Comment: Please see associated publication for description of ethnicities

Literature cited by the submitters: PubMed 24728327 (cited by ITMI).

NM_000135.4(FANCA):c.370A>T (p.Ile124Phe)

Gene: FANCA (FA complementation group A; minus strand). Cytogenetic location: 16q24.3.
Variant type: single nucleotide variant.
Coding change: c.370A>T on transcript NM_000135.4 (MANE Select); coding-DNA position 370, A replaced by T.
Protein change: p.Ile124Phe; replaces isoleucine 124 with phenylalanine.
Molecular consequence: missense variant.
Genome position (GRCh38, 1-based): chr16:89,810,985, T>A on the plus strand (A>T on the coding strand, the complement: FANCA is on the minus strand). VCF-style: chr16-89810985-T-A. GRCh37 (hg19) VCF-style: chr16-89877393-T-A.
Other names: c.370A>T, p.Ile124Phe (NM_001018112.3, NM_001286167.3, NM_001351830.2); short protein forms I124F.
Identifiers: ClinVar variation 134276 (VCV000134276.3), dbSNP rs553656166, ClinGen allele CA159331.